The following is an entry in ClinVar:

NM_001378454.1(ALMS1):c.4001A>G (p.Tyr1334Cys)

Gene: ALMS1 (ALMS1 centrosome and basal body associated protein; plus strand). Cytogenetic location: 2p13.1.
Variant type: single nucleotide variant.
Coding change: c.4001A>G on transcript NM_001378454.1 (MANE Select); coding-DNA position 4001, A replaced by G.
Protein change: p.Tyr1334Cys; replaces tyrosine 1334 with cysteine.
Molecular consequence: missense variant.
Genome position (GRCh38, 1-based): chr2:73,450,528, A>G. VCF-style: chr2-73450528-A-G. GRCh37 (hg19) VCF-style: chr2-73677655-A-G.
Other names: c.4004A>G, p.Tyr1335Cys (NM_015120.4); short protein forms Y1335C, Y1334C.
Identifiers: ClinVar variation 1736956 (VCV001736956.3), dbSNP rs2466100153, ClinGen allele CA347277251.
Genomic context (GRCh38, chr2:73,450,528, plus strand): 5'-CAGCGGTTCCTGGACCAGCTGACCAGAAGACTGTGATACCAATTTTACCCTCTACTTTCT[A>G]CTCACACACAGAGAAGCCTGGTGTTTTCTACCAACAGGTCTTGCCACATAGTCATCCAAC-3'
Protein context (NP_001365383.1, residues 1324-1344): TVIPILPSTF[Tyr1334Cys]SHTEKPGVFY

ClinVar aggregate classification (germline): Uncertain significance (1 of 4 stars; one submission).

Conditions:
Cardiovascular phenotype. Identifiers: MedGen CN230736.

Submission:

Ambry Genetics
Classification: Uncertain significance for Cardiovascular phenotype. Last evaluated: 2024-03-25. Review status: criteria provided, single submitter. Criteria: Ambry Variant Classification Scheme 2023. Collection method: clinical testing. Allele origin: germline.
Comment: The p.Y1335C variant (also known as c.4004A>G), located in coding exon 8 of the ALMS1 gene, results from an A to G substitution at nucleotide position 4004. The tyrosine at codon 1335 is replaced by cysteine, an amino acid with highly dissimilar properties. This amino acid position is well conserved in available vertebrate species. In addition, this alteration is predicted to be tolerated by in silico analysis. Based on the available evidence, the clinical significance of this alteration remains unclear.